The following is an entry in ClinVar:

NM_001040142.2(SCN2A):c.-51-1658G>T

Gene: SCN2A (sodium voltage-gated channel alpha subunit 2; plus strand). Cytogenetic location: 2q24.3.
Variant type: single nucleotide variant.
Coding change: c.-51-1658G>T on transcript NM_001040142.2 (MANE Select); 1658 bases into the intron before 51 bases upstream of the start codon, G replaced by T.
Molecular consequence: intron variant. On other transcripts: 5 prime UTR variant (1).
Genome position (GRCh38, 1-based): chr2:165,294,115, G>T. VCF-style: chr2-165294115-G-T. GRCh37 (hg19) VCF-style: chr2-166150625-G-T.
Other names: c.-72G>T (NM_021007.3); c.-51-1658G>T (NM_001040143.2, NM_001371246.1, NM_001371247.1).
Identifiers: ClinVar variation 206959 (VCV000206959.1), dbSNP rs796053109, ClinGen allele CA317855.

ClinVar aggregate classification (germline): Likely benign (1 of 4 stars; one submission).

Allele frequency attached by ClinVar (database versions not stated): gnomAD 0.00006 and 0.00007.
gnomAD v4.1: 14 of 980,858 alleles (0.0014%); highest among the groups gnomAD compares: East Asian, 0.081%; no homozygotes.

Submission:

GeneDx
Classification: Likely benign. Last evaluated: 2012-06-01. Review status: criteria provided, single submitter. Criteria: GeneDx Variant Classification (06012015). Collection method: clinical testing. Allele origin: germline. Affected: yes.
Comment: This variant is considered likely benign or benign based on one or more of the following criteria: it is a conservative change, it occurs at a poorly conserved position in the protein, it is predicted to be benign by multiple in silico algorithms, and/or has population frequency not consistent with disease.